The following is an entry in ClinVar:

NM_053025.4(MYLK):c.4268C>T (p.Thr1423Met)

Gene: MYLK (myosin light chain kinase; minus strand). Cytogenetic location: 3q21.1.
Variant type: single nucleotide variant.
Coding change: c.4268C>T on transcript NM_053025.4 (MANE Select); coding-DNA position 4268, C replaced by T.
Protein change: p.Thr1423Met; replaces threonine 1423 with methionine.
Molecular consequence: missense variant.
Genome position (GRCh38, 1-based): chr3:123,657,146, G>A on the plus strand (C>T on the coding strand, the complement: MYLK is on the minus strand). VCF-style: chr3-123657146-G-A. GRCh37 (hg19) VCF-style: chr3-123375993-G-A.
Other names: c.3740C>T, p.Thr1247Met (NM_001321309.2); c.4061C>T, p.Thr1354Met (NM_053026.4, NM_053028.4); c.4268C>T, p.Thr1423Met (NM_053027.4); short protein forms T1423M, T1247M, T1354M.
Identifiers: ClinVar variation 561312 (VCV000561312.12), dbSNP rs776975714, ClinGen allele CA071148.
Genomic context (GRCh38, chr3:123,657,146, plus strand): 5'-ACATTTGTTTCAAGCCACTGATGAAGTGATGGCAGCCTACCTTCAGGTTTCTCTCCTACC[G>A]TTGTGAGTTCAGACTCCTGGCTTGGCTCACTGGTTCCATACACGTTGATTGCACGTACAC-3'
Protein context (NP_444253.3, residues 1413-1433): SEPSQESELT[Thr1423Met]VGEKPEEPKD

ClinVar aggregate classification (germline): Conflicting classifications of pathogenicity. Review status: criteria provided, conflicting classifications (1 of 4 stars). 5 submissions from 5 submitters: Uncertain significance (4); Likely benign (1). Last evaluated 2025-11-10.

Conditions:
Familial thoracic aortic aneurysm and aortic dissection (TAAD). Also called: Thoracic aortic aneurysms and dissections. Identifiers: Orphanet 91387, MedGen C4707243, MONDO:0019625.
Connective tissue disorder. Also called: Connective tissue disease. Identifiers: MedGen C0009782, MONDO:0003900.
Aortic aneurysm, familial thoracic 7 (AAT7). Also called: AORTIC DISSECTION, FAMILIAL, WITH OR WITHOUT AORTIC ANEURYSM. Identifiers: MedGen C3151077, MONDO:0013418, OMIM 613780.

Allele frequency attached by ClinVar (database versions not stated): gnomAD exomes 0.00001 and 0.00005; ExAC 0.00002; gnomAD 0.00005 and 0.00006; TOPMed 0.00005.
gnomAD v4.1: 83 of 1,614,002 alleles (0.0051%); highest among the groups gnomAD compares: African/African-American, 0.012%; no homozygotes.

Submissions (5):

Labcorp Genetics (formerly Invitae), Labcorp
Classification: Uncertain significance for Aortic aneurysm, familial thoracic 7. Last evaluated: 2025-11-10. Review status: criteria provided, single submitter. Criteria: Invitae Variant Classification Sherloc (09022015). Collection method: clinical testing. Allele origin: germline.
Comment: This sequence change replaces threonine, which is neutral and polar, with methionine, which is neutral and non-polar, at codon 1423 of the MYLK protein (p.Thr1423Met). This variant is present in population databases (rs776975714, gnomAD 0.01%). This variant has not been reported in the literature in individuals affected with MYLK-related conditions. ClinVar contains an entry for this variant (Variation ID: 561312). Invitae Evidence Modeling of protein sequence and biophysical properties (such as structural, functional, and spatial information, amino acid conservation, physicochemical variation, residue mobility, and thermodynamic stability) indicates that this missense variant is not expected to disrupt MYLK protein function with a negative predictive value of 80%. In summary, the available evidence is currently insufficient to determine the role of this variant in disease. Therefore, it has been classified as a Variant of Uncertain Significance.

GeneDx
Classification: Uncertain significance. Last evaluated: 2025-09-11. Review status: criteria provided, single submitter. Criteria: GeneDx Variant Classification Process June 2021. Collection method: clinical testing. Allele origin: germline. Affected: yes.
Comment: Has not been previously published as pathogenic or benign to our knowledge; In silico analysis suggests that this missense variant does not alter protein structure/function

Ambry Genetics
Classification: Uncertain significance for Familial thoracic aortic aneurysm and aortic dissection. Last evaluated: 2025-02-13. Review status: criteria provided, single submitter. Criteria: Ambry Variant Classification Scheme 2023. Collection method: clinical testing. Allele origin: germline.

Women's Health and Genetics/Laboratory Corporation of America, LabCorp
Classification: Uncertain significance. Last evaluated: 2020-01-13. Review status: criteria provided, single submitter. Criteria: LabCorp Variant Classification Summary - May 2015. Collection method: clinical testing. Allele origin: germline.
Comment: Variant summary: MYLK c.4268C>T (p.Thr1423Met) results in a non-conservative amino acid change located in the Fibronectin type III domain of the encoded protein sequence. Three of five in-silico tools predict a benign effect of the variant on protein function. The variant allele was found at a frequency of 1.2e-05 in 250524 control chromosomes (gnomAD). The available data on variant occurrences in the general population are insufficient to allow any conclusion about variant significance. To our knowledge, no occurrence of c.4268C>T in individuals affected with Aortopathy and no experimental evidence demonstrating an impact on protein function have been reported. One clinical diagnostic laboratory has submitted clinical-significance assessments for this variant to ClinVar after 2014 without evidence for independent evaluation and cited the variant as likely benign. Based on the evidence outlined above, the variant was classified as uncertain significance.

Center for Human Genetics, Inc
Classification: Likely benign for Connective tissue disorder. Last evaluated: 2018-06-01. Review status: criteria provided, single submitter. Criteria: ACMG Guidelines, 2015. Collection method: clinical testing. Allele origin: germline. Affected: yes.